The following is an entry in ClinVar:

NM_012309.5(SHANK2):c.1381G>A (p.Ala461Thr)

Gene: SHANK2 (SH3 and multiple ankyrin repeat domains 2; minus strand). Cytogenetic location: 11q13.4.
Variant type: single nucleotide variant.
Coding change: c.1381G>A on transcript NM_012309.5 (MANE Select); coding-DNA position 1381, G replaced by A.
Protein change: p.Ala461Thr; replaces alanine 461 with threonine.
Molecular consequence: missense variant.
Genome position (GRCh38, 1-based): chr11:70,820,476, C>T on the plus strand (G>A on the coding strand, the complement: SHANK2 is on the minus strand). VCF-style: chr11-70820476-C-T. GRCh37 (hg19) VCF-style: chr11-70666581-C-T.
Other names: c.1381G>A, p.Ala461Thr (NM_001441026.1, NM_001441027.1, NM_001441028.1 and 11 more transcripts); c.1309G>A, p.Ala437Thr (NM_001441038.1); c.244G>A, p.Ala82Thr (NM_001441040.1, NM_001441041.1, NM_001379226.1); c.1552G>A, p.Ala518Thr (NM_001441024.1); short protein forms A437T, A461T, A518T, A82T.
Identifiers: ClinVar variation 5041065 (VCV005041065.1).

ClinVar aggregate classification (germline): Likely benign (1 of 4 stars; one submission).

Submission:

CeGaT Center for Human Genetics Tuebingen
Classification: Likely benign. Last evaluated: 2026-09-01. Review status: criteria provided, single submitter. Criteria: CeGaT Center For Human Genetics Tuebingen Variant Classification Criteria Version 2. Collection method: clinical testing. Allele origin: germline. Affected: yes. Observed: 1 variant allele.
Comment: SHANK2: BP4